The following is an entry in ClinVar:

NM_001368894.2(PAX6):c.766del (p.Arg256fs)

Gene: PAX6 (paired box 6; minus strand). Cytogenetic location: 11p13.
Variant type: Deletion.
Coding change: c.766del on transcript NM_001368894.2 (MANE Select); coding-DNA position 766, one base deleted (A; older notation c.766delA).
Protein change: p.Arg256fs; shifts the reading frame from arginine 256.
Molecular consequence: frameshift variant.
Genome position (GRCh38, 1-based): chr11:31,794,073, T deleted on the plus strand (A on the coding strand, the reverse complement: PAX6 is on the minus strand); the first of 3 consecutive T bases (chr11:31,794,073-31,794,075); deleting any one gives the same sequence. VCF-style (leftmost placement, unchanged base first): chr11-31794072-CT-C. GRCh37 (hg19) VCF-style: chr11-31815620-CT-C.
Other names: c.724del, p.Arg242fs (NM_000280.6, NM_001127612.3, NM_001258464.2 and 10 more transcripts); c.766del, p.Arg256fs (NM_001258462.3, NM_001258463.2, NM_001310158.2 and 6 more transcripts); c.316del, p.Arg106fs (NM_001310160.2, NM_001310161.3, NM_001368899.2 and 11 more transcripts); c.967del, p.Arg323fs (NM_001368910.2); c.769del, p.Arg257fs (NM_001368911.2); c.841del, p.Arg281fs (NM_001368918.2, NM_001368919.2); c.799del, p.Arg267fs (NM_001368920.2); c.565del, p.Arg189fs (NM_001368921.2, NM_001368922.2, NM_001368923.2 and 4 more transcripts); and 2 more; short protein forms R106fs, R175fs, R189fs, R242fs, R256fs, R257fs, R267fs, R281fs.
Identifiers: ClinVar variation 3346685 (VCV003346685.1).

ClinVar aggregate classification (germline): Pathogenic (0 of 4 stars; one submission).

Conditions:
PAX6-related disorder. Also called: PAX6-related disorders; PAX6-related condition.

Submission:

PreventionGenetics, part of Exact Sciences
Classification: Pathogenic for PAX6-related condition. Last evaluated: 2024-06-20. Review status: no assertion criteria provided. Collection method: clinical testing. Allele origin: germline.
Comment: The PAX6 c.766delA variant is predicted to result in a frameshift and premature protein termination (p.Arg256Aspfs*2). This variant has been reported in an individual with aniridia (reported as p.R242Dfs*2, Table S1, You et al. 2020. PubMed ID: 32214788). This variant has not been reported in a large population database, indicating this variant is rare. Frameshift variants in PAX6 are an established mechanism of disease. We interpret this variant as pathogenic.